The following is an entry in ClinVar:

ClinVar aggregate classification (germline): Uncertain significance (1 of 4 stars; one submission).

Conditions:
Epilepsy, childhood absence, susceptibility to, 1. Also called: Epilepsy, childhood absence 1. Identifiers: Orphanet 64280, MedGen C1838604, MONDO:0020759, OMIM 600131.
Epilepsy, childhood absence, susceptibility to, 5. Identifiers: Orphanet 64280, MedGen C2677087, MONDO:0012843, OMIM 612269.

Submission:

Labcorp Genetics (formerly Invitae), Labcorp
Classification: Uncertain significance for Epilepsy, childhood absence, susceptibility to, 5; Epilepsy, childhood absence, susceptibility to, 1. Last evaluated: 2025-03-07. Review status: criteria provided, single submitter. Criteria: Invitae Variant Classification Sherloc (09022015). Collection method: clinical testing. Allele origin: germline.
Comment: This sequence change replaces lysine, which is basic and polar, with threonine, which is neutral and polar, at codon 425 of the GABRB3 protein (p.Lys425Thr). This variant is not present in population databases (gnomAD no frequency). This variant has not been reported in the literature in individuals affected with GABRB3-related conditions. Invitae Evidence Modeling of protein sequence and biophysical properties (such as structural, functional, and spatial information, amino acid conservation, physicochemical variation, residue mobility, and thermodynamic stability) indicates that this missense variant is not expected to disrupt GABRB3 protein function with a negative predictive value of 95%. In summary, the available evidence is currently insufficient to determine the role of this variant in disease. Therefore, it has been classified as a Variant of Uncertain Significance.

NM_000814.6(GABRB3):c.1274A>C (p.Lys425Thr)

Gene: GABRB3 (gamma-aminobutyric acid type A receptor subunit beta3; minus strand). Cytogenetic location: 15q12.
Variant type: single nucleotide variant.
Coding change: c.1274A>C on transcript NM_000814.6 (MANE Select); coding-DNA position 1274, A replaced by C.
Protein change: p.Lys425Thr; replaces lysine 425 with threonine.
Molecular consequence: missense variant.
Genome position (GRCh38, 1-based): chr15:26,547,941, T>G on the plus strand (A>C on the coding strand, the complement: GABRB3 is on the minus strand). VCF-style: chr15-26547941-T-G. GRCh37 (hg19) VCF-style: chr15-26793088-T-G.
Other names: c.1019A>C, p.Lys340Thr (NM_001191320.2, NM_001278631.2); c.1061A>C, p.Lys354Thr (NM_001191321.3); c.1274A>C, p.Lys425Thr (NM_021912.5); short protein forms K354T, K425T, K340T.
Identifiers: ClinVar variation 4789614 (VCV004789614.1).
Genomic context (GRCh38, chr15:26,547,941, plus strand): 5'-ACATCGGTTAGATCAGGTATTTTAATTTTGAGCTGTGAAGACCTCCTCCGTAGATGGGTC[T>G]TCTTGTGCGGGAGGCTTCTGTCCCCCAGGAATCGCCCATGCCCTTCTCGAGGCATGCTCT-3'
Protein context (NP_000805.1, residues 415-435): FLGDRSLPHK[Lys425Thr]THLRRRSSQL